The following is an entry in ClinVar:

ClinVar aggregate classification (germline): Likely benign (0 of 4 stars; one submission).

Conditions:
NCOA1-related disorder. Also called: NCOA1-related condition.

Allele frequency attached by ClinVar (database versions not stated): gnomAD exomes 0.00004; ESP Exome Variant Server 0.00008; TOPMed 0.00011; ExAC 0.00012.
gnomAD v4.1: 73 of 1,614,030 alleles (0.0045%); highest among the groups gnomAD compares: Middle Eastern, 0.033%; no homozygotes.

Submission:

PreventionGenetics, part of Exact Sciences
Classification: Likely benign for NCOA1-related condition. Last evaluated: 2021-03-04. Review status: no assertion criteria provided. Collection method: clinical testing. Allele origin: germline.
Comment: This variant is classified as likely benign based on ACMG/AMP sequence variant interpretation guidelines (Richards et al. 2015 PMID: 25741868, with internal and published modifications).

NM_003743.5(NCOA1):c.1335C>T (p.Pro445=)

Gene: NCOA1 (nuclear receptor coactivator 1; plus strand). Cytogenetic location: 2p23.3.
Variant type: single nucleotide variant.
Coding change: c.1335C>T on transcript NM_003743.5 (MANE Select); coding-DNA position 1335, C replaced by T.
Protein change: p.Pro445=; no amino-acid change (proline 445 retained).
Molecular consequence: synonymous variant.
Genome position (GRCh38, 1-based): chr2:24,706,805, C>T. VCF-style: chr2-24706805-C-T. GRCh37 (hg19) VCF-style: chr2-24929674-C-T.
Other names: c.1335C>T, p.Pro445= (NM_001362950.1, NM_001362952.1, NM_001362954.1 and 3 more transcripts).
Identifiers: ClinVar variation 3034591 (VCV003034591.2), dbSNP rs369622360, ClinGen allele CA1552236.